The following is an entry in ClinVar:

ClinVar aggregate classification (germline): Uncertain significance (1 of 4 stars; one submission).

Submission:

GeneDx
Classification: Uncertain significance. Last evaluated: 2019-07-15. Review status: criteria provided, single submitter. Criteria: GeneDx Variant Classification Process June 2021. Collection method: clinical testing. Allele origin: germline. Affected: yes.
Comment: Not observed in large population cohorts (Lek et al., 2016); In silico analysis, which includes splice predictors and evolutionary conservation, supports a deleterious effect; Has not been previously published as pathogenic or benign to our knowledge

NM_022893.4(BCL11A):c.21C>T (p.Gly7=)

Gene: BCL11A (BCL11 transcription factor A; minus strand). Cytogenetic location: 2p16.1.
Variant type: single nucleotide variant.
Coding change: c.21C>T on transcript NM_022893.4 (MANE Select); coding-DNA position 21, C replaced by T.
Protein change: p.Gly7=; no amino-acid change (glycine 7 retained).
Molecular consequence: synonymous variant.
Genome position (GRCh38, 1-based): chr2:60,553,250, G>A on the plus strand (C>T on the coding strand, the complement: BCL11A is on the minus strand). VCF-style: chr2-60553250-G-A. GRCh37 (hg19) VCF-style: chr2-60780385-G-A.
Other names: c.21C>T, p.Gly7= (NM_001363864.1, NM_001365609.1, NM_018014.4 and 1 more transcripts).
Identifiers: ClinVar variation 1306769 (VCV001306769.2), dbSNP rs2104801302, ClinGen allele CA426309973.
Genomic context (GRCh38, chr2:60,553,250, plus strand): 5'-ATTATTACTATTATTGGGTTACTTACGCGAGAATTCCCGTTTGCTTAAGTGCTGGGGTTT[G>A]CCTTGCTTGCGGCGAGACATGGTGGGCTGCGGGGCGGGCGGCGGCGGCGGCGGCGGCGGC-3'
Protein context (NP_075044.2, residues 1-17): MSRRKQ[Gly7=]KPQHLSKREF